The following is an entry in ClinVar:

ClinVar aggregate classification (germline): Uncertain significance (1 of 4 stars; one submission).

Submission:

Ambry Genetics
Classification: Uncertain significance. Last evaluated: 2024-09-15. Review status: criteria provided, single submitter. Criteria: Ambry Variant Classification Scheme 2023. Collection method: clinical testing. Allele origin: germline.
Comment: The p.H856Y variant (also known as c.2566C>T), located in coding exon 21 of the BUB1 gene, results from a C to T substitution at nucleotide position 2566. The histidine at codon 856 is replaced by tyrosine, an amino acid with similar properties. This amino acid position is conserved. In addition, the in silico prediction for this alteration is inconclusive. Based on the available evidence, the clinical significance of this variant remains unclear.

NM_004336.5(BUB1):c.2566C>T (p.His856Tyr)

Gene: BUB1 (BUB1 mitotic checkpoint serine/threonine kinase; minus strand). Cytogenetic location: 2q13.
Variant type: single nucleotide variant.
Coding change: c.2566C>T on transcript NM_004336.5 (MANE Select); coding-DNA position 2566, C replaced by T.
Protein change: p.His856Tyr; replaces histidine 856 with tyrosine.
Molecular consequence: missense variant.
Genome position (GRCh38, 1-based): chr2:110,641,701, G>A on the plus strand (C>T on the coding strand, the complement: BUB1 is on the minus strand). VCF-style: chr2-110641701-G-A. GRCh37 (hg19) VCF-style: chr2-111399278-G-A.
Other names: c.2506C>T, p.His836Tyr (NM_001278616.2); c.2566C>T, p.His856Tyr (NM_001278617.2); short protein forms H856Y, H836Y.
Identifiers: ClinVar variation 3483055 (VCV003483055.1).
Genomic context (GRCh38, chr2:110,641,701, plus strand): 5'-CTAATAATGTTCCATAGCTGTAGAGCTCTCCTACTAATACACTGCCATTCTGGAATAAGT[G>A]GGCAGAATAGAACTTCATAAACATGTGCTGCATAGATGGCTTTAGTCTTTCCATCAACTG-3'
Protein context (NP_004327.1, residues 846-866): QHMFMKFYSA[His856Tyr]LFQNGSVLVG